The following is an entry in ClinVar:

NM_001814.6(CTSC):c.748C>T (p.Arg250Ter)

Gene: CTSC (cathepsin C; minus strand). Cytogenetic location: 11q14.2.
Variant type: single nucleotide variant.
Coding change: c.748C>T on transcript NM_001814.6 (MANE Select); coding-DNA position 748, C replaced by T.
Protein change: p.Arg250Ter; replaces arginine 250 with a stop codon.
Molecular consequence: nonsense.
Genome position (GRCh38, 1-based): chr11:88,300,539, G>A on the plus strand (C>T on the coding strand, the complement: CTSC is on the minus strand). VCF-style: chr11-88300539-G-A. GRCh37 (hg19) VCF-style: chr11-88033707-G-A.
Other names: c.748C>T (NM_001814.5); short protein forms R250*.
Identifiers: ClinVar variation 2193005 (VCV002193005.7), dbSNP rs1409888746, ClinGen allele CA382023577.
Genomic context (GRCh38, chr11:88,300,539, plus strand): 5'-CAATAAATAGTTCCAAACAAATTAACAAAAAACTTAGGCTTATTTTTTTACCTTGGTTTC[G>A]AACAGGACTGACAAAATTGATACCATGAACATTTCTCCAGTCCCAAGATGTTGGCAAATG-3'

ClinVar aggregate classification (germline): Pathogenic/Likely pathogenic. Review status: criteria provided, multiple submitters, no conflicts (2 of 4 stars). 4 submissions from 4 submitters: Pathogenic (3); Likely pathogenic (1). Last evaluated 2024-10-22.

Conditions:
CTSC-related disorder. Also called: CTSC-related disorders; CTSC-related condition. Identifiers: MedGen CN375926, MONDO:0800465.
Haim-Munk syndrome (HMS). Also called: COCHIN JEWISH DISORDER; KERATOSIS PALMOPLANTARIS WITH PERIODONTOPATHIA AND ONYCHOGRYPOSIS. Identifiers: Orphanet 2342, MedGen C1855627, MONDO:0009491, OMIM 245010.
Periodontitis, aggressive. Identifiers: MedGen C0031106, MONDO:0980757.
Papillon-Lefèvre syndrome (PALS). Also called: Papillon-Lefevre Disease; KERATOSIS PALMOPLANTARIS WITH PERIODONTOPATHIA. Identifiers: Orphanet 678, MedGen C0030360, MONDO:0009490, OMIM 245000.

Allele frequency attached by ClinVar (database versions not stated): gnomAD 0.00001; TOPMed 0.00001.

Submissions (4):

Labcorp Genetics (formerly Invitae), Labcorp
Classification: Pathogenic for Haim-Munk syndrome; Periodontitis, aggressive; Papillon-Lefèvre syndrome. Last evaluated: 2024-10-22. Review status: criteria provided, single submitter. Criteria: Invitae Variant Classification Sherloc (09022015). Collection method: clinical testing. Allele origin: germline.
Comment: This sequence change creates a premature translational stop signal (p.Arg250*) in the CTSC gene. It is expected to result in an absent or disrupted protein product. Loss-of-function variants in CTSC are known to be pathogenic (PMID: 10662808, 11106356, 11886537). This variant is present in population databases (no rsID available, gnomAD 0.006%). This premature translational stop signal has been observed in individual(s) with Haim-Munk syndrome and/or Papillon-Lefevre syndrome (PMID: 11106356, 15585850, 26205983). ClinVar contains an entry for this variant (Variation ID: 2193005). For these reasons, this variant has been classified as Pathogenic.

Women's Health and Genetics/Laboratory Corporation of America, LabCorp
Classification: Pathogenic for Papillon-Lefèvre syndrome. Last evaluated: 2023-08-07. Review status: criteria provided, single submitter. Criteria: LabCorp Variant Classification Summary - May 2015. Collection method: clinical testing. Allele origin: germline.
Comment: Variant summary: CTSC c.748C>T (p.Arg250X) results in a premature termination codon, predicted to cause absence of the protein due to nonsense mediated decay, which is a commonly known mechanism for disease. The variant allele was found at a frequency of 1.2e-05 in 251340 control chromosomes (gnomAD). c.748C>T has been reported in the literature in individuals affected with Papillon-Lefevre syndrome or HaimMunk syndrome (e.g. Pap_2020). These data indicate that the variant is likely to be associated with disease. The following publication has been ascertained in the context of this evaluation (PMID: 31925812). One submitter has cited a clinical-significance assessment for this variant to ClinVar after 2014 and has classified the variant as pathogenic. Based on the evidence outlined above, the variant was classified as pathogenic.

Blueprint Genetics
Classification: Pathogenic for CTSC-related disorders. Last evaluated: 2022-05-16. Review status: criteria provided, single submitter. Criteria: ACMG Guidelines, 2015. Collection method: clinical testing. Allele origin: germline. Affected: yes. Observed: 1 variant allele.

Department of Pathology and Laboratory Medicine, Sinai Health System
Classification: Likely pathogenic for Papillon-Lefevre disease. Last evaluated: 2022-05-06. Review status: criteria provided, single submitter. Criteria: ACMG Guidelines, 2015. Collection method: research. Allele origin: germline.

Literature cited by the submitters: PubMed 10662808 (cited by Labcorp Genetics (formerly Invitae), Labcorp); PubMed 11106356 (cited by Labcorp Genetics (formerly Invitae), Labcorp); PubMed 11886537 (cited by Labcorp Genetics (formerly Invitae), Labcorp); PubMed 15585850 (cited by Labcorp Genetics (formerly Invitae), Labcorp); PubMed 26205983 (cited by Labcorp Genetics (formerly Invitae), Labcorp); PubMed 31925812 (cited by Women's Health and Genetics/Laboratory Corporation of America, LabCorp).